The following is an entry in ClinVar:

ClinVar aggregate classification (germline): Conflicting classifications of pathogenicity. Review status: criteria provided, conflicting classifications (1 of 4 stars). 3 submissions from 3 submitters: Uncertain significance (1); Likely benign (2). Last evaluated 2025-10-05.

Conditions:
Inborn genetic diseases. Identifiers: MedGen C0950123, MeSH D030342.

Allele frequency attached by ClinVar (database versions not stated): gnomAD exomes below 0.00001; TOPMed below 0.00001; ExAC 0.00002; gnomAD 0.00002; ESP Exome Variant Server 0.00008.
gnomAD v4.1: 9 of 1,610,842 alleles (0.00056%); highest among the groups gnomAD compares: Non-Finnish European, 0.00068%; no homozygotes.

Submissions (3):

Labcorp Genetics (formerly Invitae), Labcorp
Classification: Likely benign. Last evaluated: 2025-10-05. Review status: criteria provided, single submitter. Criteria: Invitae Variant Classification Sherloc (09022015). Collection method: clinical testing. Allele origin: germline.

CeGaT Center for Human Genetics Tuebingen
Classification: Uncertain significance. Last evaluated: 2023-06-01. Review status: criteria provided, single submitter. Criteria: CeGaT Center For Human Genetics Tuebingen Variant Classification Criteria Version 2. Collection method: clinical testing. Allele origin: germline. Affected: yes. Observed: 1 variant allele.
Comment: LRP2: PM2, BP4

Ambry Genetics
Classification: Likely benign for Inborn genetic diseases. Last evaluated: 2022-05-02. Review status: criteria provided, single submitter. Criteria: Ambry Variant Classification Scheme 2023. Collection method: clinical testing. Allele origin: germline.

NM_004525.3(LRP2):c.6470-4A>G

Gene: LRP2 (LDL receptor related protein 2; minus strand). Cytogenetic location: 2q31.1.
Variant type: single nucleotide variant.
Coding change: c.6470-4A>G on transcript NM_004525.3 (MANE Select); 4 bases into the intron before coding-DNA position 6470, A replaced by G.
Molecular consequence: intron variant.
Genome position (GRCh38, 1-based): chr2:169,207,254, T>C on the plus strand (A>G on the coding strand, the complement: LRP2 is on the minus strand). VCF-style: chr2-169207254-T-C. GRCh37 (hg19) VCF-style: chr2-170063764-T-C.
Identifiers: ClinVar variation 2112650 (VCV002112650.29), dbSNP rs373350854, ClinGen allele CA1954269.
Genomic context (GRCh38, chr2:169,207,254, plus strand): 5'-TCCGCAGAACTTCTATCAGTGTTTCAGAAACAAAGGCATTGGTGAAATAAAGATTTCCTA[T>C]GGGAAAAATGAAAGTGCATGCTGATCAATGGAGAACCAAGAAGAAAAAAAGGGAGAACTT-3'